The following is an entry in ClinVar:

ClinVar aggregate classification (germline): Likely benign (1 of 4 stars; one submission).

Submission:

CeGaT Center for Human Genetics Tuebingen
Classification: Likely benign. Last evaluated: 2026-02-01. Review status: criteria provided, single submitter. Criteria: CeGaT Center For Human Genetics Tuebingen Variant Classification Criteria Version 2. Collection method: clinical testing. Allele origin: germline. Affected: yes. Observed: 3 variant alleles.
Comment: HYDIN: BP4

NM_001270974.2(HYDIN):c.12417G>A (p.Met4139Ile)

Gene: HYDIN (HYDIN axonemal central pair apparatus protein; minus strand). Cytogenetic location: 16q22.2.
Variant type: single nucleotide variant.
Coding change: c.12417G>A on transcript NM_001270974.2 (MANE Select); coding-DNA position 12417, G replaced by A.
Protein change: p.Met4139Ile; replaces methionine 4139 with isoleucine.
Molecular consequence: missense variant.
Genome position (GRCh38, 1-based): chr16:70,855,154, C>T on the plus strand (G>A on the coding strand, the complement: HYDIN is on the minus strand). VCF-style: chr16-70855154-C-T. GRCh37 (hg19) VCF-style: chr16-70889057-C-T.
Other names: short protein forms M4139I.
Identifiers: ClinVar variation 3770657 (VCV003770657.13).